The following is an entry in ClinVar:

NM_001374828.1(ARID1B):c.1170CGG[10] (p.Gly402_Ser403insGlyGly)

Gene: ARID1B (AT-rich interaction domain 1B; plus strand). Cytogenetic location: 6q25.3.
Variant type: Microsatellite.
Coding change: c.1170CGG[10] on transcript NM_001374828.1 (MANE Select); ten copies in a row of the 3-base unit CGG starting at c.1170; the reference has eight copies in a row; two copies, 6 bases duplicated.
Protein change: p.Gly402_Ser403insGlyGly.
Molecular consequence: inframe insertion.
Genome position (GRCh38, 1-based): chr6:156,778,868-156,778,873, CGGCGG duplicated; duplicating any 6 consecutive bases within chr6:156,778,848-156,778,873 gives the same sequence; the position shown is the placement nearest the transcript's 3' end. VCF-style (leftmost placement, unchanged base first): chr6-156778847-G-GGGCGGC. GRCh37 (hg19) VCF-style: chr6-157099981-G-GGGCGGC.
Other names: c.1170CGG[10], p.Gly402_Ser403insGlyGly (NM_001371656.1, NM_001374820.1, NM_017519.3); c.939_944dupCGGCGG (NM_020732.3); c.939_944dup6 (NM_020732.3).
Identifiers: ClinVar variation 210312 (VCV000210312.58), dbSNP rs587779747, ClinGen allele CA209173.

ClinVar aggregate classification (germline): Benign/Likely benign. Review status: criteria provided, multiple submitters, no conflicts (2 of 4 stars). 9 submissions from 9 submitters: Benign (3); Likely benign (3). 3 of the submissions do not count toward it. Last evaluated 2025-10-27.

Conditions:
ARID1B-Related Disorder. Identifiers: MedGen CN381337.
Inborn genetic diseases. Identifiers: MedGen C0950123, MeSH D030342.

Submissions (9):

Labcorp Genetics (formerly Invitae), Labcorp
Classification: Benign. Last evaluated: 2025-10-27. Review status: criteria provided, single submitter. Criteria: Invitae Variant Classification Sherloc (09022015). Collection method: clinical testing. Allele origin: germline.

Blueprint Genetics
Classification: Likely benign. Last evaluated: 2024-11-18. Review status: criteria provided, single submitter. Criteria: ACMG Guidelines, 2015. Collection method: clinical testing. Allele origin: germline.

CeGaT Center for Human Genetics Tuebingen
Classification: Likely benign. Last evaluated: 2021-01-01. Review status: criteria provided, single submitter. Criteria: CeGaT Center For Human Genetics Tuebingen Variant Classification Criteria Version 2. Collection method: clinical testing. Allele origin: germline. Affected: yes. Observed: 1 variant allele.

Ambry Genetics
Classification: Benign for Inborn genetic diseases. Last evaluated: 2020-03-04. Review status: criteria provided, single submitter. Criteria: Ambry General Variant Classification Scheme_2022. Collection method: clinical testing. Allele origin: germline. Observed: 1 variant allele.

GeneDx
Classification: Benign. Last evaluated: 2019-03-11. Review status: criteria provided, single submitter. Criteria: GeneDx Variant Classification Process June 2021. Collection method: clinical testing. Allele origin: germline. Affected: yes.

Genetic Services Laboratory, University of Chicago
Classification: Likely benign. Last evaluated: 2015-03-17. Review status: criteria provided, single submitter. Criteria: ACMG Guidelines, 2015. Collection method: clinical testing. Allele origin: germline.

PreventionGenetics, part of Exact Sciences
Classification: Likely benign for ARID1B-related condition. Last evaluated: 2020-05-15. Review status: no assertion criteria provided. Collection method: clinical testing. Allele origin: germline. Not counted in ClinVar's aggregate classification.
Comment: This variant is classified as likely benign based on ACMG/AMP sequence variant interpretation guidelines (Richards et al. 2015 PMID: 25741868, with internal and published modifications).

Diagnostic Laboratory, Department of Genetics, University Medical Center Groningen
Classification: Likely benign. Review status: no assertion criteria provided. Collection method: clinical testing. Allele origin: germline. Affected: yes. Study: VKGL Data-share Consensus. Not counted in ClinVar's aggregate classification.

Laboratory of Diagnostic Genome Analysis, Leiden University Medical Center (LUMC)
Classification: Likely benign. Review status: no assertion criteria provided. Collection method: clinical testing. Allele origin: germline. Affected: yes. Study: VKGL Data-share Consensus. Not counted in ClinVar's aggregate classification.